The following is an entry in ClinVar:

ClinVar aggregate classification (germline): Uncertain significance (1 of 4 stars; one submission).

Conditions:
Familial thoracic aortic aneurysm and aortic dissection (TAAD). Also called: Thoracic aortic aneurysms and dissections. Identifiers: Orphanet 91387, MedGen C4707243, MONDO:0019625.

Submission:

Ambry Genetics
Classification: Uncertain significance for Familial thoracic aortic aneurysm and aortic dissection. Last evaluated: 2022-04-03. Review status: criteria provided, single submitter. Criteria: Ambry Variant Classification Scheme 2023. Collection method: clinical testing. Allele origin: germline.
Comment: The p.S217P variant (also known as c.649T>C), located in coding exon 2 of the SLC2A10 gene, results from a T to C substitution at nucleotide position 649. The serine at codon 217 is replaced by proline, an amino acid with similar properties. This amino acid position is conserved. In addition, this alteration is predicted to be tolerated by in silico analysis. Since supporting evidence is limited at this time, the clinical significance of this alteration remains unclear.

NM_030777.4(SLC2A10):c.649T>C (p.Ser217Pro)

Gene: SLC2A10 (solute carrier family 2 member 10; plus strand). Cytogenetic location: 20q13.12.
Variant type: single nucleotide variant.
Coding change: c.649T>C on transcript NM_030777.4 (MANE Select); coding-DNA position 649, T replaced by C.
Protein change: p.Ser217Pro; replaces serine 217 with proline.
Molecular consequence: missense variant.
Genome position (GRCh38, 1-based): chr20:46,725,685, T>C. VCF-style: chr20-46725685-T-C. GRCh37 (hg19) VCF-style: chr20-45354324-T-C.
Other names: short protein forms S217P.
Identifiers: ClinVar variation 1753889 (VCV001753889.2), dbSNP rs2515589346, ClinGen allele CA409267601.